The following is an entry in ClinVar:

NM_001375524.1(TRRAP):c.6140A>G (p.Asn2047Ser)

Gene: TRRAP (transformation/transcription domain associated protein; plus strand). Cytogenetic location: 7q22.1.
Variant type: single nucleotide variant.
Coding change: c.6140A>G on transcript NM_001375524.1 (MANE Select); coding-DNA position 6140, A replaced by G.
Protein change: p.Asn2047Ser; replaces asparagine 2047 with serine.
Molecular consequence: missense variant.
Genome position (GRCh38, 1-based): chr7:98,956,442, A>G. VCF-style: chr7-98956442-A-G. GRCh37 (hg19) VCF-style: chr7-98554065-A-G.
Other names: c.6119A>G, p.Asn2040Ser (NM_001244580.2); c.6065A>G, p.Asn2022Ser (NM_003496.4); c.6065A>G (NM_003496.3); c.6119A>G (NM_001244580.1); short protein forms N2022S, N2040S, N2047S.
Identifiers: ClinVar variation 2200520 (VCV002200520.31), dbSNP rs79068043, ClinGen allele CA4360763.
Genomic context (GRCh38, chr7:98,956,442, plus strand): 5'-GCCTGTGTGTTTTTAAGCCGGATTCAGATATGGACCCAAATTCCAGTGGAGAAGGAGTCA[A>G]TTCTGTCTCATCCTCCATTAAGAGAGGCCTGTCCGTGGATTCTGCCCAGGAAGTGAAACG-3'
Protein context (NP_001362453.1, residues 2037-2057): MDPNSSGEGV[Asn2047Ser]SVSSSIKRGL

ClinVar aggregate classification (germline): Likely benign. Review status: criteria provided, multiple submitters, no conflicts (2 of 4 stars). 5 submissions from 5 submitters: Likely benign (5). Last evaluated 2025-12-22.

Conditions:
Inborn genetic diseases. Identifiers: MedGen C0950123, MeSH D030342.
TRRAP-related disorder. Also called: TRRAP-related condition.

Allele frequency attached by ClinVar (database versions not stated): gnomAD exomes 0.00005; ExAC 0.00012; 1000 Genomes Project 0.00020; 1000 Genomes Project 30x 0.00031; ESP Exome Variant Server 0.00031; TOPMed 0.00044; gnomAD 0.00053.
gnomAD v4.1: 156 of 1,614,214 alleles (0.0097%); highest among the groups gnomAD compares: African/African-American, 0.17%; no homozygotes.

Submissions (5):

PreventionGenetics, part of Exact Sciences
Classification: Likely benign for TRRAP-related condition. Last evaluated: 2025-12-22. Review status: criteria provided, single submitter. Criteria: ACMG Guidelines, 2015. Collection method: clinical testing. Allele origin: germline.
Comment: This variant is classified as likely benign based on ACMG/AMP sequence variant interpretation guidelines (Richards et al. 2015 PMID: 25741868, with internal and published modifications).

Labcorp Genetics (formerly Invitae), Labcorp
Classification: Likely benign. Last evaluated: 2025-10-01. Review status: criteria provided, single submitter. Criteria: Invitae Variant Classification Sherloc (09022015). Collection method: clinical testing. Allele origin: germline.

Ambry Genetics
Classification: Likely benign for Inborn genetic diseases. Last evaluated: 2023-03-07. Review status: criteria provided, single submitter. Criteria: Ambry Variant Classification Scheme 2023. Collection method: clinical testing. Allele origin: germline.

CeGaT Center for Human Genetics Tuebingen
Classification: Likely benign. Last evaluated: 2022-11-01. Review status: criteria provided, single submitter. Criteria: CeGaT Center For Human Genetics Tuebingen Variant Classification Criteria Version 2. Collection method: clinical testing. Allele origin: germline. Affected: yes. Observed: 1 variant allele.
Comment: TRRAP: BP4, BS1

Blueprint Genetics
Classification: Likely benign. Last evaluated: 2022-08-17. Review status: criteria provided, single submitter. Criteria: ACMG Guidelines, 2015. Collection method: clinical testing. Allele origin: germline.